The following is an entry in ClinVar:

NM_000311.5(PRNP):c.246ACAGCCTCATGGTGGTGGCTGGGG[3] (p.Gln91_Gly92insProHisGlyGlyGlyTrpGlyGlnProHisGlyGlyGlyTrpGlyGln)

Gene: PRNP (prion protein (Kanno blood group); plus strand). Cytogenetic location: 20p13.
Variant type: Microsatellite.
Coding change: c.246ACAGCCTCATGGTGGTGGCTGGGG[3] on transcript NM_000311.5 (MANE Select); three copies in a row of the 24-base unit ACAGCCTCATGGTGGTGGCTGGGG starting at c.246.
Protein change: p.Gln91_Gly92insProHisGlyGlyGlyTrpGlyGlnProHisGlyGlyGlyTrpGlyGln.
Molecular consequence: inframe insertion.
Genome position: GRCh38, VCF-style position (the base before the change): chr20:4,699,448. GRCh37 (hg19), VCF-style position (the base before the change): chr20:4,680,094.
Other names: c.246ACAGCCTCATGGTGGTGGCTGGGG[3], p.Gln91_Gly92insProHisGlyGlyGlyTrpGlyGlnProHisGlyGlyGlyTrpGlyGln (NM_001080121.3, NM_001080122.3, NM_001080123.3 and 1 more transcripts); c.157ACAGCCTCATGGTGGTGGCTGGGG[3], p.Gly60_Ser61insThrAlaSerTrpTrpTrpLeuGlyThrAlaSerTrpTrpTrpLeuGly (NM_001271561.3); c.269_270insACAGCCTCATGGTGGTGGCTGGGGACAGCCTCATGGTGGTGGCTGGGG (NM_000311.5).
Identifiers: ClinVar variation 4852186 (VCV004852186.1).

ClinVar aggregate classification (germline): Likely pathogenic (1 of 4 stars; one submission).

Conditions:
Huntington disease-like 1 (HDL1). Also called: HUNTINGTON-LIKE NEURODEGENERATIVE DISORDER 1; HUNTINGTON-LIKE NEURODEGENERATIVE DISORDER, AUTOSOMAL DOMINANT; PRION DISEASE, EARLY-ONSET, WITH PROMINENT PSYCHIATRIC FEATURES. Identifiers: Orphanet 157941, MedGen C1864112, MONDO:0011299, OMIM 603218.

Submission:

Variantyx, Inc.
Classification: Likely pathogenic for Huntington disease-like 1. Last evaluated: 2025-08-25. Review status: criteria provided, single submitter. Criteria: Variantyx Assertion Criteria 2022. Collection method: clinical testing. Allele origin: germline. Inheritance: Autosomal dominant inheritance. Affected: yes.
Comment: This is an in-frame variant in the PRNP gene (OMIM: 176640). Pathogenic variants in this gene have been associated with autosomal dominant PRNP- associated disorders. This variant causes an in-frame insertion of 16 amino acids at position 76 of the PRNP protein (PM4). Similar duplications of variable repeat number have been reported in several unrelated affected individuals (PMID: 31107536, 40461170, 15480878, 8750875) (PS4_Moderate), and the variant lies within a known hotspot for pathogenic variants or a well-established critical functional domain of the PRNP protein (PMID: 20301407, 29887139, 1683708) (PM1). This variant has a 0.0020% maximum allele frequency in non-founder control populations (PM2). Based on the current evidence, this variant is classified as likely pathogenic for autosomal dominant PRNP- associated disorders.

Literature cited by the submitters: PubMed 31107536; PubMed 40461170; PubMed 15480878; PubMed 8750875; PubMed 20301407; PubMed 29887139; PubMed 1683708.